The following is an entry in ClinVar:

NM_002334.4(LRP4):c.4816G>A (p.Val1606Ile)

Genes: LRP4 (LDL receptor related protein 4; minus strand), LRP4-AS1 (LRP4 antisense RNA 1; plus strand). Cytogenetic location: 11p11.2.
Variant type: single nucleotide variant.
Coding change: c.4816G>A on transcript NM_002334.4 (MANE Select); coding-DNA position 4816, G replaced by A.
Protein change: p.Val1606Ile; replaces valine 1606 with isoleucine.
Molecular consequence: missense variant.
Genome position (GRCh38, 1-based): chr11:46,869,009, C>T on the plus strand (G>A on the coding strand, the complement: LRP4 is on the minus strand). VCF-style: chr11-46869009-C-T. GRCh37 (hg19) VCF-style: chr11-46890560-C-T.
Other names: short protein forms V1606I.
Identifiers: ClinVar variation 1395712 (VCV001395712.6), dbSNP rs2134777729, ClinGen allele CA380263984.

ClinVar aggregate classification (germline): Uncertain significance (1 of 4 stars; one submission).

Conditions:
Sclerosteosis 2 (SOST2). Identifiers: Orphanet 3152, MedGen C3280402, MONDO:0013679, OMIM 614305.
Congenital myasthenic syndrome 17. Identifiers: Orphanet 590, MedGen C4225377, MONDO:0014578, OMIM 616304.
Cenani-Lenz syndactyly syndrome. Also called: CENANI SYNDACTYLISM; SYNDACTYLY, TYPE VII. Identifiers: Orphanet 3258, MedGen C1859309, MONDO:0008931, OMIM 212780.

Submission:

Labcorp Genetics (formerly Invitae), Labcorp
Classification: Uncertain significance for Cenani-Lenz syndactyly syndrome; Sclerosteosis 2; Congenital myasthenic syndrome 17. Last evaluated: 2021-12-02. Review status: criteria provided, single submitter. Criteria: Invitae Variant Classification Sherloc (09022015). Collection method: clinical testing. Allele origin: germline.
Comment: In summary, the available evidence is currently insufficient to determine the role of this variant in disease. Therefore, it has been classified as a Variant of Uncertain Significance. Algorithms developed to predict the effect of missense changes on protein structure and function (SIFT, PolyPhen-2, Align-GVGD) all suggest that this variant is likely to be disruptive. This variant has not been reported in the literature in individuals affected with LRP4-related conditions. This variant is not present in population databases (gnomAD no frequency). This sequence change replaces valine, which is neutral and non-polar, with isoleucine, which is neutral and non-polar, at codon 1606 of the LRP4 protein (p.Val1606Ile).